The following is an entry in ClinVar:

NM_014727.3(KMT2B):c.7225C>T (p.Arg2409Trp)

Gene: KMT2B (lysine methyltransferase 2B; plus strand). Cytogenetic location: 19q13.12.
Variant type: single nucleotide variant.
Coding change: c.7225C>T on transcript NM_014727.3 (MANE Select); coding-DNA position 7225, C replaced by T.
Protein change: p.Arg2409Trp; replaces arginine 2409 with tryptophan.
Molecular consequence: missense variant.
Genome position (GRCh38, 1-based): chr19:35,736,755, C>T. VCF-style: chr19-35736755-C-T. GRCh37 (hg19) VCF-style: chr19-36227656-C-T.
Other names: short protein forms R2409W.
Identifiers: ClinVar variation 3377552 (VCV003377552.1).
Genomic context (GRCh38, chr19:35,736,755, plus strand): 5'-GCTTCGAGCTCTGAGGAAGAGCCTCCATCCCCAGATGATAAAGAGAACCAGGCCCCAAAA[C>T]GGACTGGCCCACATCTGCGCTTCGAGATCAGCAGTGAGGATGGGTTCAGCGTTGAGGCAG-3'
Protein context (NP_055542.1, residues 2399-2419): PDDKENQAPK[Arg2409Trp]TGPHLRFEIS

ClinVar aggregate classification (germline): Uncertain significance (1 of 4 stars; one submission).

Conditions:
Dystonia 28, childhood-onset (DYT28). Also called: KMT2B-Related Dystonia (DYT-KMT2B). Identifiers: Orphanet 589618, MedGen C4310633, MONDO:0015004, OMIM 617284.

gnomAD v4.1: 6 of 1,613,978 alleles (0.00037%); highest among the groups gnomAD compares: East Asian, 0.0022%; no homozygotes.

Submission:

Neuberg Centre For Genomic Medicine, NCGM
Classification: Uncertain significance for Dystonia 28, childhood-onset. Last evaluated: 2023-06-22. Review status: criteria provided, single submitter. Criteria: ACMG Guidelines, 2015. Collection method: clinical testing. Allele origin: germline. Inheritance: Autosomal dominant inheritance. Affected: yes.
Comment: The observed missense c.7225C>T(p.Arg2409Trp) variant in KMT2B gene has not been reported previously as a pathogenic variant nor as a benign variant, to our knowledge. This variant is reported with the allele frequency of 0.0004% in the gnomAD Exomes. The amino acid Arg at position 2409 is changed to a Trp changing protein sequence and it might alter its composition and physico-chemical properties. The amino acid change p.Arg2409Trp in KMT2B is predicted as conserved by GERP++ and PhyloP across 100 vertebrates.Computational evidence (Polyphen - Benign, SIFT - Tolerated, and MutationTaster - Disease causing) predicts conflicting evidence on protein structure and function for this variant. For these reasons, this variant has been classified as Uncertain Significance.